The following is an entry in ClinVar:

ClinVar aggregate classification (germline): Uncertain significance. Review status: criteria provided, multiple submitters, no conflicts (2 of 4 stars). 3 submissions from 3 submitters: Uncertain significance (3). Last evaluated 2023-06-30.

Conditions:
Mucopolysaccharidosis type 1. Also called: Mucopolysaccharidosis Type I; IDUA deficiency; MPS I. Identifiers: Orphanet 579, MedGen C0023786, MONDO:0001586.

Allele frequency attached by ClinVar (database versions not stated): ExAC 0.00001; gnomAD exomes 0.00001.
gnomAD v4.1: 8 of 1,612,042 alleles (0.0005%); highest among the groups gnomAD compares: Non-Finnish European, 0.00068%; no homozygotes.

Submissions (3):

Blueprint Genetics
Classification: Uncertain significance. Last evaluated: 2023-06-30. Review status: criteria provided, single submitter. Criteria: ACMG Guidelines, 2015. Collection method: clinical testing. Allele origin: germline.

Labcorp Genetics (formerly Invitae), Labcorp
Classification: Uncertain significance for Mucopolysaccharidosis type 1. Last evaluated: 2022-03-18. Review status: criteria provided, single submitter. Criteria: Invitae Variant Classification Sherloc (09022015). Collection method: clinical testing. Allele origin: germline.
Comment: This sequence change replaces arginine, which is basic and polar, with histidine, which is basic and polar, at codon 555 of the IDUA protein (p.Arg555His). The frequency data for this variant in the population databases is considered unreliable, as metrics indicate poor data quality at this position in the gnomAD database. This missense change has been observed in individual(s) with IDUA-related conditions (PMID: 29843745). In at least one individual the data is consistent with being in trans (on the opposite chromosome) from a pathogenic variant. Advanced modeling of protein sequence and biophysical properties (such as structural, functional, and spatial information, amino acid conservation, physicochemical variation, residue mobility, and thermodynamic stability) performed at Invitae indicates that this missense variant is not expected to disrupt IDUA protein function. In summary, the available evidence is currently insufficient to determine the role of this variant in disease. Therefore, it has been classified as a Variant of Uncertain Significance.

Revvity Omics, Revvity
Classification: Uncertain significance. Last evaluated: 2019-07-09. Review status: criteria provided, single submitter. Criteria: ACMG Guidelines, 2015. Collection method: clinical testing. Allele origin: germline.

Literature cited by the submitters: PubMed 29843745 (cited by Labcorp Genetics (formerly Invitae), Labcorp).

NM_000203.5(IDUA):c.1664G>A (p.Arg555His)

Gene: IDUA (alpha-L-iduronidase; plus strand). Cytogenetic location: 4p16.3.
Variant type: single nucleotide variant.
Coding change: c.1664G>A on transcript NM_000203.5 (MANE Select); coding-DNA position 1664, G replaced by A.
Protein change: p.Arg555His; replaces arginine 555 with histidine.
Molecular consequence: missense variant. On other transcripts: non-coding transcript variant (1).
Genome position (GRCh38, 1-based): chr4:1,003,562, G>A. VCF-style: chr4-1003562-G-A. GRCh37 (hg19) VCF-style: chr4-997350-G-A.
Other names: c.1268G>A, p.Arg423His (NM_001363576.1); c.1664G>A (NM_000203.3); short protein forms R423H, R555H.
Identifiers: ClinVar variation 2151983 (VCV002151983.8), dbSNP rs776276938, ClinGen allele CA2802347.